The following is an entry in ClinVar:

ClinVar aggregate classification (germline): Benign. Review status: reviewed by expert panel (3 of 4 stars). 14 submissions from 14 submitters: Benign (1). 13 of the submissions do not count toward it. Last evaluated 2018-08-10.

Conditions:
Phenylketonuria (PKU). Also called: Phenylketonurias; OLIGOPHRENIA PHENYLPYRUVICA; FOLLING DISEASE; Phenylketonuria (PKU). Identifiers: Orphanet 716, MedGen C0031485, MONDO:0009861, OMIM 261600. Disease mechanism: loss of function.

Allele frequency attached by ClinVar (database versions not stated): 1000 Genomes Project 30x 0.00265; 1000 Genomes Project 0.00280; gnomAD exomes 0.00745; gnomAD 0.00761 and 0.00779; TOPMed 0.00779; ExAC 0.00799; ESP Exome Variant Server 0.00992.
gnomAD v4.1: 18,638 of 1,613,812 alleles (1.2%); highest among the groups gnomAD compares: Non-Finnish European, 1.5%; 143 homozygotes.

Submissions (14):

ClinGen PAH Variant Curation Expert Panel
Classification: Benign for Phenylketonuria. Last evaluated: 2018-08-10. Review status: reviewed by expert panel. Criteria: ClinGen PAH ACMG Specifications v1. Collection method: curation. Allele origin: germline. Inheritance: Autosomal recessive inheritance.
Comment: PAH-specific ACMG/AMP criteria applied: BS1: MAF=0.01361 in ENF from gnomAD; BS2: 19 homozygotes in gnomAD. In summary this variant meets criteria to be classified as benign for phenylketonuria in an autosomal recessive manner based on the ACMG/AMP criteria applied as specified by the PAH Expert Panel: (BS1, BS2).

CeGaT Center for Human Genetics Tuebingen
Classification: Benign. Last evaluated: 2026-09-01. Review status: criteria provided, single submitter. Criteria: CeGaT Center For Human Genetics Tuebingen Variant Classification Criteria Version 2. Collection method: clinical testing. Allele origin: germline. Affected: yes. Observed: 16 variant alleles. Not counted in ClinVar's aggregate classification.
Comment: PAH: BP4, BP7, BS1, BS2

Labcorp Genetics (formerly Invitae), Labcorp
Classification: Benign for Phenylketonuria. Last evaluated: 2026-02-02. Review status: criteria provided, single submitter. Criteria: Invitae Variant Classification Sherloc (09022015). Collection method: clinical testing. Allele origin: germline. Not counted in ClinVar's aggregate classification.

GeneDx
Classification: Benign. Last evaluated: 2020-06-29. Review status: criteria provided, single submitter. Criteria: GeneDx Variant Classification Process June 2021. Collection method: clinical testing. Allele origin: germline. Affected: yes. Not counted in ClinVar's aggregate classification.
Comment: This variant is associated with the following publications: (PMID: 9781015)

Women's Health and Genetics/Laboratory Corporation of America, LabCorp
Classification: Benign. Last evaluated: 2018-05-29. Review status: criteria provided, single submitter. Criteria: LabCorp Variant Classification Summary - May 2015. Collection method: clinical testing. Allele origin: germline. Not counted in ClinVar's aggregate classification.
Comment: Variant summary: PAH c.1242C>T alters a non-conserved nucleotide resulting in a synonymous change. 5/5 computational tools predict no significant impact on normal splicing. However, these predictions have yet to be confirmed by functional studies. The variant allele was found at a frequency of 0.0074 in 277168 control chromosomes, predominantly within the Non-Finnish European subpopulation at a frequency of 0.014 (in the gnomAD database), including 16 homozygotes. The observed variant frequency within Non-Finnish European control individuals in the gnomAD database is approximately 1.77 fold of the estimated maximal expected allele frequency for a pathogenic variant in PAH causing Hyperphenylalaninemia phenotype (0.0079), strongly suggesting that the variant is a benign polymorphism found primarily in populations of Non-Finnish European origin. To our knowledge, no experimental evidence demonstrating its impact on protein function has been reported. Three clinical diagnostic laboratories have submitted clinical-significance assessments for this variant to ClinVar after 2014 without evidence for independent evaluation. All laboratories classified the variant as benign/likely benign. Based on the evidence outlined above, the variant was classified as benign.

Quest Diagnostics Nichols Institute San Juan Capistrano
Classification: Benign. Last evaluated: 2018-04-05. Review status: criteria provided, single submitter. Criteria: Quest Diagnostics criteria. Collection method: clinical testing. Allele origin: germline. Not counted in ClinVar's aggregate classification.

Illumina Laboratory Services, Illumina
Classification: Benign for Phenylketonuria. Last evaluated: 2017-04-27. Review status: criteria provided, single submitter. Criteria: ICSL Variant Classification Criteria 13 December 2019. Collection method: clinical testing. Allele origin: germline. Not counted in ClinVar's aggregate classification.
Comment: This variant was observed as part of a predisposition screen in an ostensibly healthy population. A literature search was performed for the gene, cDNA change, and amino acid change (where applicable). No publications were found based on this search. Allele frequency data from public databases was too high to be consistent with this variant causing disease. Therefore, this variant is classified as benign.

Eurofins Ntd Llc (ga)
Classification: Benign. Last evaluated: 2015-02-18. Review status: criteria provided, single submitter. Criteria: EGL Classification Definitions 2015. Collection method: clinical testing. Allele origin: germline. Observed: 4 variant alleles, 4 heterozygotes. Not counted in ClinVar's aggregate classification.

Breakthrough Genomics
Classification: Benign. Review status: criteria provided, single submitter. Criteria: ACMG Guidelines, 2015. Collection method: not provided. Allele origin: germline. Inheritance: Autosomal recessive inheritance. Affected: yes. Not counted in ClinVar's aggregate classification.

PreventionGenetics, part of Exact Sciences
Classification: Benign. Review status: criteria provided, single submitter. Criteria: ACMG Guidelines, 2015. Collection method: clinical testing. Allele origin: germline. Not counted in ClinVar's aggregate classification.

Natera, Inc.
Classification: Benign for Phenylketonuria. Last evaluated: 2019-12-09. Review status: no assertion criteria provided. Collection method: clinical testing. Allele origin: germline. Not counted in ClinVar's aggregate classification.

DeBelle Laboratory for Biochemical Genetics, MUHC/MCH RESEARCH INSTITUTE
No classification provided. Review status: no classification provided. Collection method: not provided. Allele origin: not provided. Not counted in ClinVar's aggregate classification.

Diagnostic Laboratory, Department of Genetics, University Medical Center Groningen
Classification: Benign. Review status: no assertion criteria provided. Collection method: clinical testing. Allele origin: germline. Affected: yes. Study: VKGL Data-share Consensus. Not counted in ClinVar's aggregate classification.

Genome Diagnostics Laboratory, University Medical Center Utrecht
Classification: Benign. Review status: no assertion criteria provided. Collection method: clinical testing. Allele origin: germline. Affected: yes. Study: VKGL Data-share Consensus. Not counted in ClinVar's aggregate classification.

NM_000277.3(PAH):c.1242C>T (p.Tyr414=)

Gene: PAH (phenylalanine hydroxylase; minus strand). Cytogenetic location: 12q23.2.
Variant type: single nucleotide variant.
Coding change: c.1242C>T on transcript NM_000277.3 (MANE Select); coding-DNA position 1242, C replaced by T.
Protein change: p.Tyr414=; no amino-acid change (tyrosine 414 retained).
Molecular consequence: synonymous variant.
Genome position (GRCh38, 1-based): chr12:102,840,473, G>A on the plus strand (C>T on the coding strand, the complement: PAH is on the minus strand). VCF-style: chr12-102840473-G-A. GRCh37 (hg19) VCF-style: chr12-103234251-G-A.
Other names: NM_000277.2(PAH):c.1242C>T; c.1242C>T, p.Tyr414= (NM_001354304.2).
Identifiers: ClinVar variation 102577 (VCV000102577.53), dbSNP rs1801152, ClinGen allele CA200893.